The following is an entry in ClinVar:

NM_000539.3(RHO):c.1040C>T (p.Pro347Leu)

Gene: RHO (rhodopsin; plus strand). Cytogenetic location: 3q22.1.
Variant type: single nucleotide variant.
Coding change: c.1040C>T on transcript NM_000539.3 (MANE Select); coding-DNA position 1040, C replaced by T.
Protein change: p.Pro347Leu; replaces proline 347 with leucine.
Molecular consequence: missense variant.
Genome position (GRCh38, 1-based): chr3:129,533,711, C>T. VCF-style: chr3-129533711-C-T. GRCh37 (hg19) VCF-style: chr3-129252554-C-T.
Other names: NP_000530.1:p.(Pro347Leu); short protein forms P347L.
Identifiers: ClinVar variation 13014 (VCV000013014.69), dbSNP rs29001566, ClinGen allele CA256662.

ClinVar aggregate classification (germline): Pathogenic/Likely pathogenic. Review status: criteria provided, multiple submitters, no conflicts (2 of 4 stars). 22 submissions from 22 submitters: Pathogenic (17); Likely pathogenic (2). 3 of the submissions do not count toward it. Last evaluated 2026-09-17.

Conditions:
RHO-related disorder. Also called: RHO-related condition.
Microcephaly 17, primary, autosomal recessive (MCPH17). Identifiers: Orphanet 2512, MedGen C4310723, MONDO:0014908, OMIM 617090.
Retinal dystrophy. Also called: Inherited retinal dystrophy. Identifiers: Orphanet 71862, MedGen C0854723, MeSH D058499, MONDO:0019118, HP:0000556.
Retinitis pigmentosa (RP). Identifiers: Orphanet 791, MedGen C0035334, MeSH D012174, MONDO:0019200, OMIM 268000. Inheritance: Autosomal dominant, autosomal recessive and X linked inheritance.
Retinitis pigmentosa 4 (RP4). Also called: RETINITIS PIGMENTOSA, RHODOPSIN-RELATED. Identifiers: Orphanet 791, MedGen C3151001, MONDO:0013395, OMIM 613731.
Retinal disorder. Also called: Retinopathies; Retinal Diseases; Retinopathy; Retinal disorders. Identifiers: MedGen C0035309, MONDO:0005283, HP:0000488.
Blurred vision. Identifiers: MedGen C0344232, HP:0000622.
Night blindness. Also called: Nyctalopia. Identifiers: MedGen C0028077, MONDO:0004588, HP:0000662.
Peripheral visual field loss. Identifiers: MedGen C0241688, HP:0007994.

Allele frequency attached by ClinVar (database versions not stated): gnomAD exomes below 0.00001; ExAC 0.00001; gnomAD 0.00001.

Submissions 1 to 14 of 22:

Genetics Laboratory, Great Ormond Street Hospital NHS Foundation Trust, North Thames Genomic Laboratory Hub
Classification: Pathogenic for Retinal disorders. Last evaluated: 2026-09-17. Review status: criteria provided, single submitter. Criteria: ACGS Best Practice Guidelines for Variant Classification in Rare Disease 2024 v1.2. Collection method: clinical testing. Allele origin: germline. Affected: yes.
Comment: PS4_moderate, PM2_moderate, PM5_moderate, PP1_strong

PreventionGenetics, part of Exact Sciences
Classification: Pathogenic for RHO-related condition. Last evaluated: 2026-09-15. Review status: criteria provided, single submitter. Criteria: ACMG Guidelines, 2015. Collection method: clinical testing. Allele origin: germline.
Comment: The RHO c.1040C>T variant is predicted to result in the amino acid substitution p.Pro347Leu. Alternate substitutions of this amino acid (p.Pro347Ala, p.Pro347Gln. p.Pro347Thr, and p.Pro347Ser) have also been documented causative for retinitis pigmentosa, and in silico studies suggest that variants of the p.Pro347 residue affect cellular trafficking and protein interaction (Rakoczy et al. 2010. PubMed ID: 21094163). This variant is present in 0.00077% of alleles in individuals of European (Non-Finnish) descent in gnomAD. Given the evidence, we interpret this variant as pathogenic.

Dasa
Classification: Pathogenic. Last evaluated: 2026-04-09. Review status: criteria provided, single submitter. Criteria: DASA Assertion Criteria. Collection method: clinical testing. Allele origin: germline.
Comment: NM_000539.3(RHO):c.1040C>T (p.Pro347Leu) is a missense variant that results in the substitution of proline with leucine. The affected residue or protein region has prior evidence supporting clinical relevance. Segregation evidence has been reported in affected families. This variant has been recurrently observed in individuals with related phenotype (PMID: 20555336; PMID: 2215617). The variant is present at low frequency in population datasets. Based on the available data, this variant is classified as pathogenic.

Labcorp Genetics (formerly Invitae), Labcorp
Classification: Pathogenic. Last evaluated: 2026-01-21. Review status: criteria provided, single submitter. Criteria: Invitae Variant Classification Sherloc (09022015). Collection method: clinical testing. Allele origin: germline.
Comment: This sequence change replaces proline, which is neutral and non-polar, with leucine, which is neutral and non-polar, at codon 347 of the RHO protein (p.Pro347Leu). This variant is present in population databases (rs29001566, gnomAD 0.0008%). This missense change has been observed in individuals with autosomal dominant retinitis pigmentosa (PMID: 2215617, 25221422). It has also been observed to segregate with disease in related individuals. ClinVar contains an entry for this variant (Variation ID: 13014). Invitae Evidence Modeling of protein sequence and biophysical properties (such as structural, functional, and spatial information, amino acid conservation, physicochemical variation, residue mobility, and thermodynamic stability) has been performed for this missense variant. However, the output from this modeling did not meet the statistical confidence thresholds required to predict the impact of this variant on RHO protein function. For these reasons, this variant has been classified as Pathogenic.

3billion
Classification: Pathogenic for Retinitis pigmentosa 4. Last evaluated: 2025-06-26. Review status: criteria provided, single submitter. Criteria: ACMG Guidelines, 2015. Collection method: clinical testing. Allele origin: germline. Affected: yes.
Comment: The variant is observed at an extremely low frequency in the gnomAD v4.1.0 dataset (total allele frequency: <0.001%). Predicted Consequence/Location: Missense variant. Missense changes are a common disease-causing mechanism. In silico tool predictions suggest damaging effect of the variant on gene or gene product [REVEL: 0.62 (>=0.6, sensitivity 0.68 and specificity 0.92)]. The same nucleotide change resulting in the same amino acid change has been previously reported as pathogenic/likely pathogenic with strong evidence (ClinVar ID: VCV000013014 /PMID: 2215617 /3billion dataset). Different missense changes at the same codon (p.Pro347Ala, p.Pro347Arg, p.Pro347Gln, p.Pro347Ser, p.Pro347Thr) have been reported as pathogenic/likely pathogenic with strong evidence (ClinVar ID: VCV000013015, VCV000013032, VCV000013053, VCV001070044, VCV002203439 /PMID: 11139241, 1840561, 2215617, 7633434, 8088850). Therefore, this variant is classified as Pathogenic according to the recommendation of ACMG/AMP guideline.

SingHealth Duke-NUS Institute of Precision Medicine
Classification: Likely pathogenic for Retinitis pigmentosa 4. Last evaluated: 2025-02-05. Review status: criteria provided, single submitter. Criteria: PRISM ACMG Classification Criteria. Collection method: clinical testing. Allele origin: germline. Affected: yes.
Comment: Variant is located in a mutational hotspot where >50% of variants are pathogenic (PM1). Other variants at this amino acid residue have been classified as pathogenic (PM5, p.Pro347Arg; p.Pro347Gln; p.Pro347Ser; p.Pro347Ala; p.Pro347Thr). Studies have shown that the variant affects RHO function (PS3, PMID:34088267;21340525)

Blueprint Genetics
Classification: Pathogenic for RHO-related disorders. Last evaluated: 2024-06-26. Review status: criteria provided, single submitter. Criteria: ACMG Guidelines, 2015. Collection method: clinical testing. Allele origin: germline. Affected: yes. Observed: 5 variant alleles.

Genomic Medicine Center of Excellence, King Faisal Specialist Hospital and Research Centre
Classification: Pathogenic for Microcephaly 17, primary, autosomal recessive. Last evaluated: 2024-03-26. Review status: criteria provided, single submitter. Criteria: ACMG Guidelines, 2015. Collection method: clinical testing. Allele origin: germline.

CeGaT Center for Human Genetics Tuebingen
Classification: Pathogenic. Last evaluated: 2024-02-01. Review status: criteria provided, single submitter. Criteria: CeGaT Center For Human Genetics Tuebingen Variant Classification Criteria Version 2. Collection method: clinical testing. Allele origin: germline. Affected: yes. Observed: 14 variant alleles.
Comment: RHO: PP1:Strong, PM1, PM2, PM5, PP4, PS4:Supporting

Dept Of Ophthalmology, Nagoya University
Classification: Pathogenic for Retinal dystrophy. Last evaluated: 2023-10-01. Review status: criteria provided, single submitter. Criteria: Submitter's publication. Collection method: research. Allele origin: germline. Affected: yes.

Ophthalmic Genetics Group, Institute of Molecular and Clinical Ophthalmology Basel
Classification: Pathogenic for Retinitis pigmentosa. Last evaluated: 2023-07-24. Review status: criteria provided, single submitter. Criteria: ACMG Guidelines, 2015. Collection method: research. Allele origin: germline. Affected: yes. Observed: 2 variant alleles.
Comment: Clinical significance based on ACMG v2.0

This variant was classified as Pathogenic based on ACMG criteria: PP5, PM2, PM5, PM1, PS4, PP2.

GeneDx
Classification: Pathogenic. Last evaluated: 2022-10-31. Review status: criteria provided, single submitter. Criteria: GeneDx Variant Classification Process June 2021. Collection method: clinical testing. Allele origin: germline. Affected: yes.
Comment: Published functional studies demonstrate a damaging effect with partial delocalization of rhodopsin proteins to the lateral plasma membrane, Golgi apparatus, and synaptic terminal (Tam et al., 2000); Missense variants in the same residue (P347T, P347S, P347A, P347Q, P347R) reported in the Human Gene Mutation Database in individuals with retinitis pigmentosa (HGMD); In silico analysis supports that this missense variant has a deleterious effect on protein structure/function; Not observed at significant frequency in large population cohorts (gnomAD); This variant is associated with the following publications: (PMID: 9538889, 33629268, 32531858, 18385078, 34758253, 20555336, 25221422, 22217031, 18175313, 9335046, 2215617, 21094163, 26667666, 26202387, 28559085, 30972525, 30977563, 31054281, 31960602, 11139241, 32581362, 31630094, 33851411, 19074802, 31206141, 2021172, 33576794, 33090715, 33946315, 35656873, 11134067)

AURAGEN, Plan France Médecine Génomique
Classification: Pathogenic for Retinal disorder. Last evaluated: 2022-06-13. Review status: criteria provided, single submitter. Criteria: PFMG2025 (Lancet Reg Health Eur. 2025). Collection method: clinical testing. Allele origin: germline. Affected: yes.

Institute of Human Genetics, Univ. Regensburg, Univ. Regensburg
Classification: Pathogenic for Retinal dystrophy. Last evaluated: 2022-01-01. Review status: criteria provided, single submitter. Criteria: ACMG Guidelines, 2015. Collection method: clinical testing. Allele origin: germline. Affected: yes.